The following is an entry in ClinVar:

NM_022455.5(NSD1):c.6614A>C (p.His2205Pro)

Gene: NSD1 (nuclear receptor binding SET domain protein 1; plus strand). Cytogenetic location: 5q35.3.
Variant type: single nucleotide variant.
Coding change: c.6614A>C on transcript NM_022455.5 (MANE Select); coding-DNA position 6614, A replaced by C.
Protein change: p.His2205Pro; replaces histidine 2205 with proline.
Molecular consequence: missense variant.
Genome position (GRCh38, 1-based): chr5:177,293,982, A>C. VCF-style: chr5-177293982-A-C. GRCh37 (hg19) VCF-style: chr5-176720983-A-C.
Other names: c.5741A>C, p.His1914Pro (NM_001365684.2, NM_001409308.1, NM_172349.5); c.6614A>C, p.His2205Pro (NM_001409301.1, NM_001409302.1, NM_001409303.1); c.6194A>C, p.His2065Pro (NM_001409304.1); c.5861A>C, p.His1954Pro (NM_001409305.1); c.5852A>C, p.His1951Pro (NM_001409306.1, NM_001409307.1); c.5492A>C, p.His1831Pro (NM_001409309.1); short protein forms H1936P, H2205P, H1914P, H1951P, H2065P, H1954P, H1831P.
Identifiers: ClinVar variation 1309760 (VCV001309760.3), dbSNP rs2127279532, ClinGen allele CA362324351.

ClinVar aggregate classification (germline): Likely pathogenic (1 of 4 stars; one submission).

Submission:

GeneDx
Classification: Likely pathogenic. Last evaluated: 2022-01-21. Review status: criteria provided, single submitter. Criteria: GeneDx Variant Classification Process June 2021. Collection method: clinical testing. Allele origin: germline. Affected: yes.
Comment: Has not been previously published as pathogenic or benign to our knowledge; Not observed in large population cohorts (gnomAD); In silico analysis, which includes protein predictors and evolutionary conservation, supports a deleterious effect